The following is an entry in ClinVar:

NM_001754.5(RUNX1):c.521C>T (p.Thr174Ile)

Genes: RUNX1-AS1 (RUNX1 antisense RNA 1; plus strand), RUNX1 (RUNX family transcription factor 1; minus strand). Cytogenetic location: 21q22.12.
Variant type: single nucleotide variant.
Coding change: c.521C>T on transcript NM_001754.5 (MANE Select); coding-DNA position 521, C replaced by T.
Protein change: p.Thr174Ile; replaces threonine 174 with isoleucine.
Molecular consequence: missense variant.
Genome position (GRCh38, 1-based): chr21:34,859,566, G>A on the plus strand (C>T on the coding strand, the complement: RUNX1 is on the minus strand). VCF-style: chr21-34859566-G-A. GRCh37 (hg19) VCF-style: chr21-36231863-G-A.
Other names: NM_001754.5(RUNX1):c.521C>T; p.Thr174Ile; c.440C>T, p.Thr147Ile (NM_001001890.3, NM_001122607.2); short protein forms T147I, T174I.
Identifiers: ClinVar variation 1009408 (VCV001009408.11), dbSNP rs2057542528, ClinGen allele CA410208129.

ClinVar aggregate classification (germline): Uncertain significance. Review status: reviewed by expert panel (3 of 4 stars). 2 submissions from 2 submitters: Uncertain significance (1). 1 of the submissions does not count toward it. Last evaluated 2024-09-18.

Conditions:
Hereditary thrombocytopenia and hematologic cancer predisposition syndrome. Identifiers: Orphanet 71290, MedGen CN281654, MONDO:0011071.
Hereditary thrombocytopenia and hematological cancer predisposition syndrome associated with RUNX1. Also called: Familial thrombocytopenia with propensity to acute myelogenous leukemia; PLATELET DISORDER, ASPIRIN-LIKE; RUNX1 Familial Platelet Disorder with Associated Myeloid Malignancies; Familial Platelet Disorder with Propensity to Acute Myelogenous Leukemia. Identifiers: Orphanet 71290, MedGen C1832388, MeSH C563324, MONDO:0100083, OMIM 601399.

Submissions (2):

ClinGen Myeloid Malignancy Variant Curation Expert Panel
Classification: Uncertain significance for Hereditary thrombocytopenia and hematologic cancer predisposition syndrome. Last evaluated: 2024-09-18. Review status: reviewed by expert panel. Criteria: ClinGen MyeloMalig ACMG Specifications v2. Collection method: curation. Allele origin: germline. Inheritance: Autosomal dominant inheritance.
Comment: NM_001754.5(RUNX1):c.521C>T (p.Thr174Ile) is a missense variant which has a REVEL score ≥ 0.88 (0.95) (PP3). This variant affects a codon within the Runt Homology domain (AA 89-204) but does not occur within an established hotspot residue (PM1_Supporting). This variant is completely absent from all population databases with at least 20x coverage for RUNX1 (PM2_Supporting). In summary, the clinical significance of this variant is uncertain. ACMG/AMP criteria applied, as specified by the Myeloid Malignancy Variant Curation Expert Panel for RUNX1: PP3, PM1_supporting, PM2_supporting.

Labcorp Genetics (formerly Invitae), Labcorp
Classification: Uncertain significance for Hereditary thrombocytopenia and hematological cancer predisposition syndrome associated with RUNX1. Last evaluated: 2020-02-06. Review status: criteria provided, single submitter. Criteria: Invitae Variant Classification Sherloc (09022015). Collection method: clinical testing. Allele origin: germline. Not counted in ClinVar's aggregate classification.
Comment: In summary, the available evidence is currently insufficient to determine the role of this variant in disease. Therefore, it has been classified as a Variant of Uncertain Significance. Algorithms developed to predict the effect of missense changes on protein structure and function (SIFT, PolyPhen-2, Align-GVGD) all suggest that this variant is likely to be tolerated, but these predictions have not been confirmed by published functional studies and their clinical significance is uncertain. This variant has not been reported in the literature in individuals with RUNX1-related conditions. This variant is not present in population databases (ExAC no frequency). This sequence change replaces threonine with isoleucine at codon 174 of the RUNX1 protein (p.Thr174Ile). The threonine residue is moderately conserved and there is a moderate physicochemical difference between threonine and isoleucine.